The following is an entry in ClinVar:

NM_001458.5(FLNC):c.1616C>T (p.Pro539Leu)

Gene: FLNC (filamin C; plus strand). Cytogenetic location: 7q32.1.
Variant type: single nucleotide variant.
Coding change: c.1616C>T on transcript NM_001458.5 (MANE Select); coding-DNA position 1616, C replaced by T.
Protein change: p.Pro539Leu; replaces proline 539 with leucine.
Molecular consequence: missense variant.
Genome position (GRCh38, 1-based): chr7:128,840,614, C>T. VCF-style: chr7-128840614-C-T. GRCh37 (hg19) VCF-style: chr7-128480668-C-T.
Other names: p.Pro539Leu; c.1616C>T, p.Pro539Leu (NM_001127487.2); short protein forms P539L.
Identifiers: ClinVar variation 649592 (VCV000649592.50), dbSNP rs375570393, ClinGen allele CA4474412.

ClinVar aggregate classification (germline): Conflicting classifications of pathogenicity. Review status: criteria provided, conflicting classifications (1 of 4 stars). 6 submissions from 6 submitters: Uncertain significance (3); Likely benign (3). Last evaluated 2026-01-08.

Conditions:
Cardiovascular phenotype. Identifiers: MedGen CN230736.
Hypertrophic cardiomyopathy 26. Also called: Cardiomyopathy, familial hypertrophic, 26. Identifiers: Orphanet 75249, MedGen C4310749, MONDO:0014883, OMIM 617047.
Myofibrillar myopathy 5. Also called: Filaminopathy (type); FILAMINOPATHY, AUTOSOMAL DOMINANT. Identifiers: Orphanet 171445, MedGen C1836050, MONDO:0012289, OMIM 609524.
Distal myopathy with posterior leg and anterior hand involvement. Also called: WILLIAMS DISTAL MYOPATHY. Identifiers: Orphanet 63273, MedGen C3279722, MONDO:0013550, OMIM 614065.

Allele frequency attached by ClinVar (database versions not stated): ExAC 0.00002; gnomAD exomes 0.00002; TOPMed 0.00006; gnomAD 0.00008 and 0.00009.
gnomAD v4.1: 56 of 1,614,080 alleles (0.0035%); highest among the groups gnomAD compares: African/African-American, 0.023%; no homozygotes.

Submissions (6):

Labcorp Genetics (formerly Invitae), Labcorp
Classification: Likely benign for Distal myopathy with posterior leg and anterior hand involvement; Myofibrillar myopathy 5; Hypertrophic cardiomyopathy 26. Last evaluated: 2026-01-08. Review status: criteria provided, single submitter. Criteria: Invitae Variant Classification Sherloc (09022015). Collection method: clinical testing. Allele origin: germline.

Mayo Clinic Laboratories, Mayo Clinic
Classification: Uncertain significance. Last evaluated: 2025-10-17. Review status: criteria provided, single submitter. Criteria: ACMG Guidelines, 2015. Collection method: clinical testing. Allele origin: germline. Observed: 1 variant allele.
Comment: PP3_moderate

Ambry Genetics
Classification: Uncertain significance for Cardiovascular phenotype. Last evaluated: 2024-12-11. Review status: criteria provided, single submitter. Criteria: Ambry Variant Classification Scheme 2023. Collection method: clinical testing. Allele origin: germline.
Comment: The p.P539L variant (also known as c.1616C>T), located in coding exon 10 of the FLNC gene, results from a C to T substitution at nucleotide position 1616. The proline at codon 539 is replaced by leucine, an amino acid with similar properties. This variant was detected in an individual with exercise-related sudden cardiac arrest (Asatryan B et al. Am J Cardiol, 2019 06;123:2031-2038), and in a healthy control in a hypertrophic cardiomyopathy (HCM) cohort (Cui H et al. Mol Genet Genomic Med, 2018 11;6:1104-1113). This amino acid position is highly conserved in available vertebrate species. In addition, this alteration is predicted to be deleterious by in silico analysis. Since supporting evidence is limited at this time, the clinical significance of this alteration remains unclear.

Blueprint Genetics
Classification: Likely benign. Last evaluated: 2024-05-02. Review status: criteria provided, single submitter. Criteria: ACMG Guidelines, 2015. Collection method: clinical testing. Allele origin: germline.

GeneDx
Classification: Uncertain significance. Last evaluated: 2024-02-05. Review status: criteria provided, single submitter. Criteria: GeneDx Variant Classification Process June 2021. Collection method: clinical testing. Allele origin: germline. Affected: yes.
Comment: Identified in a patient with sudden cardiac arrest (PMID: 30975432); In silico analysis, which includes protein predictors and evolutionary conservation, supports a deleterious effect; This variant is associated with the following publications: (PMID: 30411535, 30975432)

CeGaT Center for Human Genetics Tuebingen
Classification: Likely benign. Last evaluated: 2021-09-01. Review status: criteria provided, single submitter. Criteria: CeGaT Center For Human Genetics Tuebingen Variant Classification Criteria Version 2. Collection method: clinical testing. Allele origin: germline. Affected: yes. Observed: 1 variant allele.

Literature cited by the submitters: PubMed 30411535 (cited by Mayo Clinic Laboratories, Mayo Clinic and Ambry Genetics); PubMed 30975432 (cited by Mayo Clinic Laboratories, Mayo Clinic and Ambry Genetics); PubMed 38456273 (cited by Mayo Clinic Laboratories, Mayo Clinic).